The following is an entry in ClinVar:

ClinVar aggregate classification (germline): Uncertain significance (1 of 4 stars; one submission).

Conditions:
Maple syrup urine disease, mild variant (MSUDMV). Identifiers: Orphanet 511, MedGen C3554575, MONDO:0014057, OMIM 615135.

Submission:

Labcorp Genetics (formerly Invitae), Labcorp
Classification: Uncertain significance for Maple syrup urine disease, mild variant. Last evaluated: 2023-09-05. Review status: criteria provided, single submitter. Criteria: Invitae Variant Classification Sherloc (09022015). Collection method: clinical testing. Allele origin: germline.
Comment: This sequence change replaces isoleucine, which is neutral and non-polar, with valine, which is neutral and non-polar, at codon 309 of the PPM1K protein (p.Ile309Val). This variant is not present in population databases (gnomAD no frequency). This variant has not been reported in the literature in individuals affected with PPM1K-related conditions. An algorithm developed to predict the effect of missense changes on protein structure and function (PolyPhen-2) suggests that this variant is likely to be tolerated. In summary, the available evidence is currently insufficient to determine the role of this variant in disease. Therefore, it has been classified as a Variant of Uncertain Significance.

NM_152542.5(PPM1K):c.925A>G (p.Ile309Val)

Gene: PPM1K (protein phosphatase, Mg2+/Mn2+ dependent 1K; minus strand). Cytogenetic location: 4q22.1.
Variant type: single nucleotide variant.
Coding change: c.925A>G on transcript NM_152542.5 (MANE Select); coding-DNA position 925, A replaced by G.
Protein change: p.Ile309Val; replaces isoleucine 309 with valine.
Molecular consequence: missense variant.
Genome position (GRCh38, 1-based): chr4:88,265,063, T>C on the plus strand (A>G on the coding strand, the complement: PPM1K is on the minus strand). VCF-style: chr4-88265063-T-C. GRCh37 (hg19) VCF-style: chr4-89186215-T-C.
Other names: short protein forms I309V.
Identifiers: ClinVar variation 2775872 (VCV002775872.3), dbSNP rs2476565700, ClinGen allele CA357705637.